The following is an entry in ClinVar:

NM_017514.5(PLXNA3):c.4350C>A (p.Gly1450=)

Gene: PLXNA3 (plexin A3; plus strand). Cytogenetic location: Xq28.
Variant type: single nucleotide variant.
Coding change: c.4350C>A on transcript NM_017514.5 (MANE Select); coding-DNA position 4350, C replaced by A.
Protein change: p.Gly1450=; no amino-acid change (glycine 1450 retained).
Molecular consequence: synonymous variant.
Genome position (GRCh38, 1-based): chrX:154,468,885, C>A. VCF-style: chrX-154468885-C-A. GRCh37 (hg19) VCF-style: chrX-153697228-C-A.
Identifiers: ClinVar variation 3030869 (VCV003030869.2), dbSNP rs782660964, ClinGen allele CA10564865.

ClinVar aggregate classification (germline): Likely benign (0 of 4 stars; one submission).

Conditions:
PLXNA3-related disorder. Also called: PLXNA3-related condition.

Allele frequency attached by ClinVar (database versions not stated): TOPMed 0.00001; ExAC 0.00002; gnomAD 0.00002.

Submission:

PreventionGenetics, part of Exact Sciences
Classification: Likely benign for PLXNA3-related condition. Last evaluated: 2021-12-09. Review status: no assertion criteria provided. Collection method: clinical testing. Allele origin: germline.
Comment: This variant is classified as likely benign based on ACMG/AMP sequence variant interpretation guidelines (Richards et al. 2015 PMID: 25741868, with internal and published modifications).